The following is an entry in ClinVar:

NM_025114.4(CEP290):c.442-11del

Gene: CEP290 (centrosomal protein 290; minus strand). Cytogenetic location: 12q21.32.
Variant type: Deletion.
Coding change: c.442-11del on transcript NM_025114.4 (MANE Select); 11 bases into the intron before coding-DNA position 442, one base deleted (T; older notation c.442-11delT).
Molecular consequence: intron variant.
Genome position (GRCh38, 1-based): chr12:88,131,229, A deleted on the plus strand (T on the coding strand, the reverse complement: CEP290 is on the minus strand); the first of 12 consecutive A bases (chr12:88,131,229-88,131,240); deleting any one gives the same sequence. VCF-style (leftmost placement, unchanged base first): chr12-88131228-TA-T. GRCh37 (hg19) VCF-style: chr12-88525005-TA-T.
Other names: p.?.
Identifiers: ClinVar variation 310631 (VCV000310631.22), dbSNP rs199511358, ClinGen allele CA6712784.

ClinVar aggregate classification (germline): Benign. Review status: criteria provided, multiple submitters, no conflicts (2 of 4 stars). 3 submissions from 3 submitters: Benign (2). 1 of the submissions does not count toward it. Last evaluated 2026-01-06.

Conditions:
Meckel-Gruber syndrome. Also called: Dysencephalia splachnocystica; DYSENCEPHALIA SPLANCHNOCYSTICA; GRUBER SYNDROME. Identifiers: Orphanet 564, MedGen C0265215, MONDO:0018921.
Nephronophthisis. Also called: Juvenile Nephronophthisis. Identifiers: Orphanet 655, MedGen C0687120, MONDO:0019005, HP:0000090.
Joubert syndrome. Also called: Familial aplasia of the vermis; CEREBELLOPARENCHYMAL DISORDER IV; JOUBERT-BOLTSHAUSER SYNDROME. Identifiers: Orphanet 475, MedGen C5979921, MONDO:0018772.
Leber congenital amaurosis (LCA). Also called: Leber's amaurosis. Identifiers: Orphanet 65, MedGen C0339527, MeSH D057130, MONDO:0018998.

Submissions (3):

Labcorp Genetics (formerly Invitae), Labcorp
Classification: Benign for Joubert syndrome; Meckel-Gruber syndrome; Nephronophthisis. Last evaluated: 2026-01-06. Review status: criteria provided, single submitter. Criteria: Invitae Variant Classification Sherloc (09022015). Collection method: clinical testing. Allele origin: germline.

Mayo Clinic Laboratories, Mayo Clinic
Classification: Benign. Last evaluated: 2024-01-03. Review status: criteria provided, single submitter. Criteria: ACMG Guidelines, 2015. Collection method: clinical testing. Allele origin: germline. Observed: 25 variant alleles.
Comment: BA1, BP3, BP4, BP7

Natera, Inc.
Classification: Benign for Leber congenital amaurosis. Last evaluated: 2019-08-29. Review status: no assertion criteria provided. Collection method: clinical testing. Allele origin: germline. Not counted in ClinVar's aggregate classification.